The following is an entry in ClinVar:

ClinVar aggregate classification (germline): Pathogenic (1 of 4 stars; one submission).

Conditions:
Long QT syndrome (LQTS). Identifiers: MedGen C0023976, MeSH D008133, MONDO:0002442. Disease mechanism: loss of function. Inheritance: Various modes of inheritance.

Submission:

Labcorp Genetics (formerly Invitae), Labcorp
Classification: Pathogenic for Long QT syndrome. Last evaluated: 2021-08-12. Review status: criteria provided, single submitter. Criteria: Invitae Variant Classification Sherloc (09022015). Collection method: clinical testing. Allele origin: germline.
Comment: This variant is a gross deletion of the genomic region encompassing exon(s) 3-15 of the KCNH2 gene, which includes the termination codon. This deletion extends beyond the assayed region for this gene and therefore may encompass additional genes. While this deletion is not anticipated to lead to nonsense mediated decay, it is expected to alter mRNA translation or result in a truncated protein product. This variant has not been reported in the literature in individuals affected with KCNH2-related conditions. The region of the KCNH2 gene that includes exon(s) 11-15 has been determined to be clinically significant (Invitae). Therefore, deletions that encompass that region are likely to be disease-causing. For these reasons, this variant has been classified as Pathogenic.

NC_000007.13:g.(?_150642447)_(150656830_?)del

Gene: KCNH2 (potassium voltage-gated channel subfamily H member 2; minus strand). Cytogenetic location: 7q36.1.
Variant type: Deletion.
Identifiers: ClinVar variation 1068865 (VCV001068865.6).